The following is an entry in ClinVar:

NM_002691.4(POLD1):c.3300del (p.Pro1102fs)

Gene: POLD1 (DNA polymerase delta 1, catalytic subunit; plus strand). Cytogenetic location: 19q13.33.
Variant type: Deletion.
Coding change: c.3300del on transcript NM_002691.4 (MANE Select); coding-DNA position 3300, one base deleted (A; older notation c.3300delA).
Protein change: p.Pro1102fs; shifts the reading frame from proline 1102.
Molecular consequence: frameshift variant. On other transcripts: non-coding transcript variant (1).
Genome position (GRCh38, 1-based): chr19:50,417,923, A deleted. VCF-style (leftmost placement, unchanged base first): chr19-50417922-GA-G. GRCh37 (hg19) VCF-style: chr19-50921179-GA-G.
Other names: c.3300del, p.Pro1102fs (NM_001256849.1); c.3378del, p.Pro1128fs (NM_001308632.1); short protein forms P1102fs, P1128fs.
Identifiers: ClinVar variation 2909622 (VCV002909622.3), dbSNP rs1284711098, ClinGen allele CA883189980.

ClinVar aggregate classification (germline): Uncertain significance (1 of 4 stars; one submission).

Conditions:
POLD1-related polyposis and colorectal cancer syndrome (CRCS10). Also called: Colorectal cancer 10; COLORECTAL CANCER, SUSCEPTIBILITY TO, ON CHROMOSOME 19q; Colorectal cancer, susceptibility to, 10. Identifiers: Orphanet 220460, MedGen C2675481, MONDO:0012953, OMIM 612591.

Allele frequency attached by ClinVar (database versions not stated): TOPMed below 0.00001.

Submission:

Labcorp Genetics (formerly Invitae), Labcorp
Classification: Uncertain significance for POLD1-related polyposis and colorectal cancer syndrome. Last evaluated: 2025-12-31. Review status: criteria provided, single submitter. Criteria: Invitae Variant Classification Sherloc (09022015). Collection method: clinical testing. Allele origin: germline.
Comment: This sequence change results in a frameshift in the POLD1 gene (p.Pro1102Leufs*22). While this is not anticipated to result in nonsense mediated decay, it is expected to disrupt the last 6 amino acid(s) of the POLD1 protein and extend the protein by 15 additional amino acid residues. Missense variants that disrupt the 3'-5' exonuclease (proof-reading) activity of the POLD1 protein are associated with PPAP (polymerase proofreading–associated polyposis) (PMID: 23263490, 23447401). However, loss-of-function variants that result in an absent or severely disrupted POLD1 protein, and missense variants outside the exonuclease domain, are unlikely to be associated with PPAP. This variant is not present in population databases (gnomAD no frequency). This variant has not been reported in the literature in individuals affected with POLD1-related conditions. ClinVar contains an entry for this variant (Variation ID: 2909622). In summary, the available evidence is currently insufficient to determine the role of this variant in disease. Therefore, it has been classified as a Variant of Uncertain Significance.

Literature cited by the submitters: PubMed 23263490; PubMed 23447401.